The following is an entry in ClinVar:

ClinVar aggregate classification (germline): Uncertain significance (1 of 4 stars; one submission).

Submission:

GeneDx
Classification: Uncertain significance. Last evaluated: 2026-03-27. Review status: criteria provided, single submitter. Criteria: GeneDx Variant Classification Process June 2021. Collection method: clinical testing. Allele origin: germline.
Comment: Not observed at significant frequency in large population cohorts (gnomAD); In silico analysis suggests that this missense variant does not alter protein structure/function; Has not been previously published as pathogenic or benign to our knowledge

NM_001287491.2(TET3):c.4348A>G (p.Asn1450Asp)

Gene: TET3 (tet methylcytosine dioxygenase 3; plus strand). Cytogenetic location: 2p13.1.
Variant type: single nucleotide variant.
Coding change: c.4348A>G on transcript NM_001287491.2 (MANE Select); coding-DNA position 4348, A replaced by G.
Protein change: p.Asn1450Asp; replaces asparagine 1450 with aspartic acid.
Molecular consequence: missense variant.
Genome position (GRCh38, 1-based): chr2:74,101,136, A>G. VCF-style: chr2-74101136-A-G. GRCh37 (hg19) VCF-style: chr2-74328263-A-G.
Other names: c.4069A>G, p.Asn1357Asp (NM_001366022.1); short protein forms N1357D, N1450D.
Identifiers: ClinVar variation 5017441 (VCV005017441.1).